The following is an entry in ClinVar:

ClinVar aggregate classification (germline): Uncertain significance. Review status: criteria provided, multiple submitters, no conflicts (2 of 4 stars). 2 submissions from 2 submitters: Uncertain significance (2). Last evaluated 2025-08-02.

Conditions:
Inborn genetic diseases. Identifiers: MedGen C0950123, MeSH D030342.

Allele frequency attached by ClinVar (database versions not stated): gnomAD exomes 0.00002; ExAC 0.00007; ESP Exome Variant Server 0.00015; 1000 Genomes Project 30x 0.00016; gnomAD 0.00019; 1000 Genomes Project 0.00020; TOPMed 0.00026.

Submissions (2):

Ambry Genetics
Classification: Uncertain significance for Inborn genetic diseases. Last evaluated: 2025-08-02. Review status: criteria provided, single submitter. Criteria: Ambry Variant Classification Scheme 2023. Collection method: clinical testing. Allele origin: germline.

Labcorp Genetics (formerly Invitae), Labcorp
Classification: Uncertain significance. Last evaluated: 2025-07-07. Review status: criteria provided, single submitter. Criteria: Invitae Variant Classification Sherloc (09022015). Collection method: clinical testing. Allele origin: germline.
Comment: This sequence change replaces glutamic acid, which is acidic and polar, with lysine, which is basic and polar, at codon 141 of the MECR protein (p.Glu141Lys). This variant is present in population databases (rs373901680, gnomAD 0.08%). This variant has not been reported in the literature in individuals affected with MECR-related conditions. ClinVar contains an entry for this variant (Variation ID: 2161365). Invitae Evidence Modeling of protein sequence and biophysical properties (such as structural, functional, and spatial information, amino acid conservation, physicochemical variation, residue mobility, and thermodynamic stability) indicates that this missense variant is not expected to disrupt MECR protein function with a negative predictive value of 80%. In summary, the available evidence is currently insufficient to determine the role of this variant in disease. Therefore, it has been classified as a Variant of Uncertain Significance.

NM_016011.5(MECR):c.421G>A (p.Glu141Lys)

Gene: MECR (mitochondrial trans-2-enoyl-CoA reductase; minus strand). Cytogenetic location: 1p35.3.
Variant type: single nucleotide variant.
Coding change: c.421G>A on transcript NM_016011.5 (MANE Select); coding-DNA position 421, G replaced by A.
Protein change: p.Glu141Lys; replaces glutamic acid 141 with lysine.
Molecular consequence: missense variant. On other transcripts: non-coding transcript variant (4).
Genome position (GRCh38, 1-based): chr1:29,206,891, C>T on the plus strand (G>A on the coding strand, the complement: MECR is on the minus strand). VCF-style: chr1-29206891-C-T. GRCh37 (hg19) VCF-style: chr1-29533403-C-T.
Other names: c.421G>A (NM_016011.2); c.193G>A, p.Glu65Lys (NM_001024732.4, NM_001349711.2, NM_001349712.2 and 2 more transcripts); c.526G>A, p.Glu176Lys (NM_001349715.2); c.505G>A, p.Glu169Lys (NM_001349716.2); c.271G>A, p.Glu91Lys (NM_001349717.2); short protein forms E169K, E65K, E91K, E141K, E176K.
Identifiers: ClinVar variation 2161365 (VCV002161365.5), dbSNP rs373901680, ClinGen allele CA725798.